The following is an entry in ClinVar:

ClinVar aggregate classification (germline): Likely pathogenic (0 of 4 stars; one submission).

Conditions:
X-linked cone-rod dystrophy. Identifiers: MedGen CN323387, MONDO:0021155.

Submission:

Genetic Eye Disease Investigation Unit, University of Auckland
Classification: Likely pathogenic for X-LINKED ROD CONE DYSTROPHY. Last evaluated: 2023-01-03. Review status: no assertion criteria provided. Collection method: clinical testing. Allele origin: de novo. Affected: yes. Observed: 2 variant alleles.

NM_006195.6(PBX3):c.273del (p.Gly92fs)

Gene: PBX3 (PBX homeobox 3; plus strand). Cytogenetic location: 9q33.3.
Variant type: Deletion.
Coding change: c.273del on transcript NM_006195.6 (MANE Select); coding-DNA position 273, one base deleted (A; older notation c.273delA).
Protein change: p.Gly92fs; shifts the reading frame from glycine 92.
Molecular consequence: frameshift variant. On other transcripts: non-coding transcript variant (2).
Genome position (GRCh38, 1-based): chr9:125,748,622, A deleted. VCF-style (leftmost placement, unchanged base first): chr9-125748621-CA-C. GRCh37 (hg19) VCF-style: chr9-128510900-CA-C.
Other names: c.48del, p.Gly17fs (NM_001134778.2); c.273del, p.Gly92fs (NM_001330782.2); c.273delA, p.Gly92Valfs (NM_001411009.1); c.272_273delinsC (NM_006195.3); short protein forms G17fs, G92fs.
Identifiers: ClinVar variation 2430149 (VCV002430149.1), dbSNP rs2538470959, ClinGen allele CA2580079535.
Genomic context (GRCh38, chr9:125,748,621, plus strand): 5'-TGAACTGTCACAGAATGAAACCAGCGCTCTTCAGCGTCCTGTGTGAGATCAAAGAGAAAA[CA>C]GGTAAGACGCTGCGCCCCGCAGTGGGCCTGGAGACCCCCGAGGTGGGGGTCGGAGCTACT-3'